The following is an entry in ClinVar:

ClinVar aggregate classification (germline): Uncertain significance (1 of 4 stars; one submission).

gnomAD v4.1: 1 of 1,613,854 alleles (0.000062%); highest among the groups gnomAD compares: Non-Finnish European, 0.000085%; no homozygotes.

Submission:

Labcorp Genetics (formerly Invitae), Labcorp
Classification: Uncertain significance. Last evaluated: 2022-12-07. Review status: criteria provided, single submitter. Criteria: Invitae Variant Classification Sherloc (09022015). Collection method: clinical testing. Allele origin: germline.
Comment: This sequence change replaces proline, which is neutral and non-polar, with serine, which is neutral and polar, at codon 31 of the APOA1 protein (p.Pro31Ser). In summary, the available evidence is currently insufficient to determine the role of this variant in disease. Therefore, it has been classified as a Variant of Uncertain Significance. Advanced modeling of protein sequence and biophysical properties (such as structural, functional, and spatial information, amino acid conservation, physicochemical variation, residue mobility, and thermodynamic stability) performed at Invitae indicates that this missense variant is not expected to disrupt APOA1 protein function. This variant is not present in population databases (gnomAD no frequency). This variant has not been reported in the literature in individuals affected with APOA1-related conditions.

NM_000039.3(APOA1):c.91C>T (p.Pro31Ser)

Genes: APOA1 (apolipoprotein A1; minus strand), APOA1-AS (APOA1 antisense RNA; plus strand). Cytogenetic location: 11q23.3.
Variant type: single nucleotide variant.
Coding change: c.91C>T on transcript NM_000039.3 (MANE Select); coding-DNA position 91, C replaced by T.
Protein change: p.Pro31Ser; replaces proline 31 with serine.
Molecular consequence: missense variant.
Genome position (GRCh38, 1-based): chr11:116,837,110, G>A on the plus strand (C>T on the coding strand, the complement: APOA1 is on the minus strand). VCF-style: chr11-116837110-G-A. GRCh37 (hg19) VCF-style: chr11-116707826-G-A.
Other names: c.91C>T, p.Pro31Ser (NM_001318017.2, NM_001318018.2, NM_001425090.1 and 1 more transcripts); c.-237C>T (NM_001318021.2, NM_001425092.1); short protein forms P31S.
Identifiers: ClinVar variation 2991021 (VCV002991021.3), dbSNP rs764283540, ClinGen allele CA382721059.
Genomic context (GRCh38, chr11:116,837,110, plus strand): 5'-TGCCGCTGTCTTTGAGCACATCCACGTACACAGTGGCCAGGTCCTTCACTCGATCCCAGG[G>A]GCTCTGGGGGGGTTCATCTTGCTGCCAGAAATGCCGAGCCTGGCTCCCTGAGGGTGGGAG-3'
Protein context (NP_000030.1, residues 21-41): FWQQDEPPQS[Pro31Ser]WDRVKDLATV